The following is an entry in ClinVar:

ClinVar aggregate classification (germline): Uncertain significance. Review status: criteria provided, multiple submitters, no conflicts (2 of 4 stars). 3 submissions from 3 submitters: Uncertain significance (3). Last evaluated 2026-03-10.

Conditions:
TTN-related disorder. Also called: TTN-related condition; TTN-related disease; TTN-related disorders.

Allele frequency attached by ClinVar (database versions not stated): ExAC 0.00002; gnomAD 0.00002 and 0.00003; TOPMed 0.00008; 1000 Genomes Project 30x 0.00016; 1000 Genomes Project 0.00020; gnomAD exomes below 0.00001.
gnomAD v4.1: 9 of 1,613,414 alleles (0.00056%); highest among the groups gnomAD compares: Admixed American, 0.013%; no homozygotes.

Submissions (3):

PreventionGenetics, part of Exact Sciences
Classification: Uncertain significance for TTN-related condition. Last evaluated: 2026-03-10. Review status: criteria provided, single submitter. Criteria: ACMG Guidelines, 2015. Collection method: clinical testing. Allele origin: germline.
Comment: The TTN c.57197T>C variant is predicted to result in the amino acid substitution p.Val19066Ala. To our knowledge, this variant has not been reported in the literature. This variant is reported in 0.0029% of alleles in individuals of Latino descent in gnomAD. At this time, the clinical significance of this variant is uncertain due to the absence of conclusive functional and genetic evidence.

Revvity Omics, Revvity
Classification: Uncertain significance. Last evaluated: 2024-04-10. Review status: criteria provided, single submitter. Criteria: ACMG Guidelines, 2015. Collection method: clinical testing. Allele origin: germline.

Eurofins Ntd Llc (ga)
Classification: Uncertain significance. Last evaluated: 2018-07-02. Review status: criteria provided, single submitter. Criteria: EGL ClinVar v180209 classification definitions. Collection method: clinical testing. Allele origin: germline. Observed: 1 variant allele, 1 heterozygote.

NM_001267550.2(TTN):c.57197T>C (p.Val19066Ala)

Genes: TTN (titin; minus strand), TTN-AS1 (TTN antisense RNA 1; plus strand). Cytogenetic location: 2q31.2.
Variant type: single nucleotide variant.
Coding change: c.57197T>C on transcript NM_001267550.2 (MANE Select); coding-DNA position 57197, T replaced by C.
Protein change: p.Val19066Ala; replaces valine 19066 with alanine.
Molecular consequence: missense variant.
Genome position (GRCh38, 1-based): chr2:178,597,973, A>G on the plus strand (T>C on the coding strand, the complement: TTN is on the minus strand). VCF-style: chr2-178597973-A-G. GRCh37 (hg19) VCF-style: chr2-179462700-A-G.
Other names: c.52274T>C, p.Val17425Ala (NM_001256850.1); c.30002T>C, p.Val10001Ala (NM_003319.4); c.49493T>C, p.Val16498Ala (NM_133378.4); c.30377T>C, p.Val10126Ala (NM_133432.3); c.30578T>C, p.Val10193Ala (NM_133437.4); short protein forms V16498A, V19066A, V10001A, V10126A, V10193A, V17425A.
Identifiers: ClinVar variation 597771 (VCV000597771.9), dbSNP rs537440385, ClinGen allele CA1993089.